The following is an entry in ClinVar:

NM_001235.5(SERPINH1):c.547G>C (p.Gly183Arg)

Gene: SERPINH1 (serpin family H member 1; plus strand). Cytogenetic location: 11q13.5.
Variant type: single nucleotide variant.
Coding change: c.547G>C on transcript NM_001235.5 (MANE Select); coding-DNA position 547, G replaced by C.
Protein change: p.Gly183Arg; replaces glycine 183 with arginine.
Molecular consequence: missense variant.
Genome position (GRCh38, 1-based): chr11:75,566,896, G>C. VCF-style: chr11-75566896-G-C. GRCh37 (hg19) VCF-style: chr11-75277941-G-C.
Other names: c.547G>C, p.Gly183Arg (NM_001207014.3); short protein forms G183R.
Identifiers: ClinVar variation 1383999 (VCV001383999.8), dbSNP rs758606932, ClinGen allele CA6190836.
Genomic context (GRCh38, chr11:75,566,896, plus strand): 5'-TTCCGCGACAAGCGCAGCGCGCTGCAGTCCATCAACGAGTGGGCCGCGCAGACCACCGAC[G>C]GCAAGCTGCCCGAGGTCACCAAGGACGTGGAGCGCACGGACGGCGCCCTGCTAGTCAACG-3'
Protein context (NP_001226.2, residues 173-193): INEWAAQTTD[Gly183Arg]KLPEVTKDVE

ClinVar aggregate classification (germline): Uncertain significance (1 of 4 stars; one submission).

gnomAD v4.1: 1 of 1,608,892 alleles (0.000062%); highest among the groups gnomAD compares: Non-Finnish European, 0.000085%; no homozygotes.

Submission:

Labcorp Genetics (formerly Invitae), Labcorp
Classification: Uncertain significance. Last evaluated: 2022-08-23. Review status: criteria provided, single submitter. Criteria: Invitae Variant Classification Sherloc (09022015). Collection method: clinical testing. Allele origin: germline.
Comment: This variant has not been reported in the literature in individuals affected with SERPINH1-related conditions. This variant is present in population databases (rs758606932, gnomAD 0.002%). This sequence change replaces glycine, which is neutral and non-polar, with arginine, which is basic and polar, at codon 183 of the SERPINH1 protein (p.Gly183Arg). In summary, the available evidence is currently insufficient to determine the role of this variant in disease. Therefore, it has been classified as a Variant of Uncertain Significance. Advanced modeling of protein sequence and biophysical properties (such as structural, functional, and spatial information, amino acid conservation, physicochemical variation, residue mobility, and thermodynamic stability) performed at Invitae indicates that this missense variant is not expected to disrupt SERPINH1 protein function. ClinVar contains an entry for this variant (Variation ID: 1383999).